The following continues an entry in ClinVar:

NM_007294.4(BRCA1):c.2368A>G (p.Thr790Ala)

Gene: BRCA1. ClinVar aggregate classification (germline): Conflicting classifications of pathogenicity. Uncertain significance (3); Benign (5); Likely benign (5).

Submissions 14 to 18 of 18:

PreventionGenetics, part of Exact Sciences
Classification: Likely benign for BRCA1-related condition. Last evaluated: 2024-05-30. Review status: no assertion criteria provided. Collection method: clinical testing. Allele origin: germline. Not counted in ClinVar's aggregate classification.
Comment: This variant is classified as likely benign based on ACMG/AMP sequence variant interpretation guidelines (Richards et al. 2015 PMID: 25741868, with internal and published modifications).

Foulkes Cancer Genetics LDI, Lady Davis Institute for Medical Research
Classification: Uncertain significance for Breast and/or ovarian cancer. Last evaluated: 2013-11-04. Review status: no assertion criteria provided. Collection method: clinical testing. Allele origin: germline. Study: The Canadian Open Genetics Repository (COGR). Not counted in ClinVar's aggregate classification.

Sharing Clinical Reports Project (SCRP)
Classification: Benign for Breast-ovarian cancer, familial 1. Last evaluated: 2008-11-25. Review status: no assertion criteria provided. Collection method: clinical testing. Allele origin: germline. Not counted in ClinVar's aggregate classification.

Breast Cancer Information Core (BIC) (BRCA1)
Classification: Uncertain significance for Breast-ovarian cancer, familial 1. Last evaluated: 2002-05-29. Review status: no assertion criteria provided. Collection method: clinical testing. Allele origin: germline. Affected: yes. Observed: 8 variant alleles. Not counted in ClinVar's aggregate classification.

Department of Pathology and Laboratory Medicine, Sinai Health System
Classification: Uncertain significance for Malignant tumor of breast. Review status: no assertion criteria provided. Collection method: clinical testing. Allele origin: unknown. Affected: yes. Observed: 2 variant alleles. Study: The Canadian Open Genetics Repository (COGR). Not counted in ClinVar's aggregate classification.
Comment: The variant was also identified in dbSNP (ID: rs41286298) â€šÃ„ÃºWith unknown alleleâ€šÃ„Ã¹, BIC (8X with unknown clinical importance) and UMD (1X as an unclassified variant). Within the UMD record, the variant was noted to co-occur with a known pathogenic mutation in BRCA1 (c.5324T>G (p.Met1775Arg)), increasing the likelihood that the p.Thr790Ala variant may not have clinical significance. In addition, the variant was reported in three of 4460 African American chromosomes (frequency: 0.0007) from the Exome Variant Server ESP Project, increasing the likelihood that may be a low frequency benign variant in certain populations of origin. The p.Thr790 residue is conserved in mammals; however, computational analyses (PolyPhen-2, SIFT, AlignGVGD) provide inconsistent predictions regarding the impact to the protein and this information is not very predictive of pathogenicity. In summary, based on the above information, the clinical significance of this variant cannot be determined with certainty at this time. This variant is classified as a variant of unknown significance.

Literature cited by the submitters: PubMed 18284688 (cited by 4 submitters); PubMed 16518693 (cited by Quest Diagnostics Nichols Institute San Juan Capistrano and Women's Health and Genetics/Laboratory Corporation of America, LabCorp); PubMed 23192404 (cited by 5 submitters); PubMed 33471991 (cited by Quest Diagnostics Nichols Institute San Juan Capistrano); PubMed 31341521 (cited by 3 submitters); PubMed 34981296 (cited by Quest Diagnostics Nichols Institute San Juan Capistrano); PubMed 35731312 (cited by Quest Diagnostics Nichols Institute San Juan Capistrano); PubMed 31911673 (cited by Quest Diagnostics Nichols Institute San Juan Capistrano); PubMed 15983021 (cited by 5 submitters); PubMed 16267036 (cited by 3 submitters); PubMed 26287763 (cited by 3 submitters); PubMed 30606148 (cited by Sema4 and Laboratory for Molecular Medicine, Mass General Brigham Personalized Medicine); PubMed 22875147 (cited by Women's Health and Genetics/Laboratory Corporation of America, LabCorp); PubMed 23555315 (cited by Women's Health and Genetics/Laboratory Corporation of America, LabCorp); PubMed 15001988 (cited by Women's Health and Genetics/Laboratory Corporation of America, LabCorp); PubMed 12531920 (cited by Women's Health and Genetics/Laboratory Corporation of America, LabCorp); PubMed 15385441 (cited by Women's Health and Genetics/Laboratory Corporation of America, LabCorp).